The following is an entry in ClinVar:

ClinVar aggregate classification (germline): Uncertain significance. Review status: criteria provided, multiple submitters, no conflicts (2 of 4 stars). 2 submissions from 2 submitters: Uncertain significance (2). Last evaluated 2025-10-01.

Conditions:
Hereditary cancer-predisposing syndrome. Also called: Tumor predisposition; Hereditary neoplastic syndrome; Hereditary Cancer Syndrome; Neoplastic Syndromes, Hereditary. Identifiers: Orphanet 140162, MedGen C0027672, MeSH D009386, MONDO:0015356.

Submissions (2):

Ambry Genetics
Classification: Uncertain significance for Hereditary cancer-predisposing syndrome. Last evaluated: 2025-10-01. Review status: criteria provided, single submitter. Criteria: Ambry Variant Classification Scheme 2023. Collection method: clinical testing. Allele origin: germline.
Comment: The p.I1267V variant (also known as c.3799A>G), located in coding exon 25 of the RAD50 gene, results from an A to G substitution at nucleotide position 3799. The isoleucine at codon 1267 is replaced by valine, an amino acid with highly similar properties. This amino acid position is conserved. In addition, the in silico prediction for this alteration is inconclusive. Since supporting evidence is limited at this time, the clinical significance of this alteration remains unclear.

Labcorp Genetics (formerly Invitae), Labcorp
Classification: Uncertain significance for Hereditary cancer-predisposing syndrome. Last evaluated: 2023-09-25. Review status: criteria provided, single submitter. Criteria: Invitae Variant Classification Sherloc (09022015). Collection method: clinical testing. Allele origin: germline.
Comment: This sequence change replaces isoleucine, which is neutral and non-polar, with valine, which is neutral and non-polar, at codon 1267 of the RAD50 protein (p.Ile1267Val). This variant is not present in population databases (gnomAD no frequency). This variant has not been reported in the literature in individuals affected with RAD50-related conditions. ClinVar contains an entry for this variant (Variation ID: 962556). Advanced modeling of protein sequence and biophysical properties (such as structural, functional, and spatial information, amino acid conservation, physicochemical variation, residue mobility, and thermodynamic stability) performed at Invitae indicates that this missense variant is expected to disrupt RAD50 protein function. In summary, the available evidence is currently insufficient to determine the role of this variant in disease. Therefore, it has been classified as a Variant of Uncertain Significance.

NM_005732.4(RAD50):c.3799A>G (p.Ile1267Val)

Genes: TH2LCRR (T helper type 2 locus control region associated RNA; minus strand), RAD50 (RAD50 double strand break repair protein; plus strand). Cytogenetic location: 5q31.1.
Variant type: single nucleotide variant.
Coding change: c.3799A>G on transcript NM_005732.4 (MANE Select); coding-DNA position 3799, A replaced by G.
Protein change: p.Ile1267Val; replaces isoleucine 1267 with valine.
Molecular consequence: missense variant. On other transcripts: non-coding transcript variant (1).
Genome position (GRCh38, 1-based): chr5:132,642,224, A>G. VCF-style: chr5-132642224-A-G. GRCh37 (hg19) VCF-style: chr5-131977916-A-G.
Other names: short protein forms I1267V.
Identifiers: ClinVar variation 962556 (VCV000962556.10), dbSNP rs1751739783, ClinGen allele CA360936378.
Genomic context (GRCh38, chr5:132,642,224, plus strand): 5'-ATATATTGTTGCAGGATAATAAAAAGTCGCTCACAGCAGCGTAACTTCCAGCTTCTGGTA[A>G]TCACTCATGATGAAGATTTTGTGGAGCTTTTAGGACGTTCTGAATATGTGGAGAAATTCT-3'
Protein context (NP_005723.2, residues 1257-1277): SQQRNFQLLV[Ile1267Val]THDEDFVELL